The following is an entry in ClinVar:

NM_201525.4(ADGRG1):c.393G>C (p.Gln131His)

Gene: ADGRG1 (adhesion G protein-coupled receptor G1; plus strand). Cytogenetic location: 16q21.
Variant type: single nucleotide variant.
Coding change: c.393G>C on transcript NM_201525.4 (MANE Select); coding-DNA position 393, G replaced by C.
Protein change: p.Gln131His; replaces glutamine 131 with histidine.
Molecular consequence: missense variant. On other transcripts: 5 prime UTR variant (5), intron variant (1).
Genome position (GRCh38, 1-based): chr16:57,651,528, G>C. VCF-style: chr16-57651528-G-C. GRCh37 (hg19) VCF-style: chr16-57685440-G-C.
Other names: c.393G>C (NM_005682.5); c.393G>C, p.Gln131His (NM_001145770.3, NM_001145771.3, NM_001145772.3 and 16 more transcripts); c.408G>C, p.Gln136His (NM_001145773.3, NM_001370433.1); c.-133G>C (NM_001290143.2, NM_001290144.2, NM_001370451.1 and 2 more transcripts); c.237G>C, p.Gln79His (NM_001370442.1); c.110+283G>C (NM_001290142.2); short protein forms Q131H, Q136H, Q79H.
Identifiers: ClinVar variation 598609 (VCV000598609.6), dbSNP rs1005625966, ClinGen allele CA281572807.

ClinVar aggregate classification (germline): Uncertain significance. Review status: criteria provided, multiple submitters, no conflicts (2 of 4 stars). 2 submissions from 2 submitters: Uncertain significance (2). Last evaluated 2026-02-25.

Allele frequency attached by ClinVar (database versions not stated): gnomAD exomes below 0.00001 and 0.00001; gnomAD 0.00001; TOPMed 0.00001.
gnomAD v4.1: 22 of 1,614,104 alleles (0.0014%); highest among the groups gnomAD compares: Non-Finnish European, 0.0017%; no homozygotes.

Submissions (2):

GeneDx
Classification: Uncertain significance. Last evaluated: 2026-02-25. Review status: criteria provided, single submitter. Criteria: GeneDx Variant Classification Process June 2021. Collection method: clinical testing. Allele origin: germline.
Comment: Not observed at significant frequency in large population cohorts (gnomAD); In silico analysis supports that this missense variant has a deleterious effect on protein structure/function; Has not been previously published as pathogenic or benign to our knowledge

Eurofins Ntd Llc (ga)
Classification: Uncertain significance. Last evaluated: 2018-09-06. Review status: criteria provided, single submitter. Criteria: EGL ClinVar v180209 classification definitions. Collection method: clinical testing. Allele origin: germline. Observed: 1 variant allele, 1 heterozygote.